The following is an entry in ClinVar:

ClinVar aggregate classification (germline): Uncertain significance (1 of 4 stars; one submission).

Conditions:
Alstrom syndrome (ALMS). Identifiers: Orphanet 64, MedGen C0268425, MONDO:0008763, OMIM 203800.

gnomAD v4.1: 1 of 1,614,052 alleles (0.000062%); highest among the groups gnomAD compares: Non-Finnish European, 0.000085%; no homozygotes.

Submission:

Labcorp Genetics (formerly Invitae), Labcorp
Classification: Uncertain significance for Alstrom syndrome. Last evaluated: 2025-01-28. Review status: criteria provided, single submitter. Criteria: Invitae Variant Classification Sherloc (09022015). Collection method: clinical testing. Allele origin: germline.
Comment: This sequence change replaces serine, which is neutral and polar, with asparagine, which is neutral and polar, at codon 3723 of the ALMS1 protein (p.Ser3723Asn). This variant is present in population databases (no rsID available, gnomAD 0.0009%). This variant has not been reported in the literature in individuals affected with ALMS1-related conditions. Experimental studies and prediction algorithms are not available or were not evaluated, and the functional significance of this variant is currently unknown. In summary, the available evidence is currently insufficient to determine the role of this variant in disease. Therefore, it has been classified as a Variant of Uncertain Significance.

NM_001378454.1(ALMS1):c.11165G>A (p.Ser3722Asn)

Gene: ALMS1 (ALMS1 centrosome and basal body associated protein; plus strand). Cytogenetic location: 2p13.1.
Variant type: single nucleotide variant.
Coding change: c.11165G>A on transcript NM_001378454.1 (MANE Select); coding-DNA position 11165, G replaced by A.
Protein change: p.Ser3722Asn; replaces serine 3722 with asparagine.
Molecular consequence: missense variant.
Genome position (GRCh38, 1-based): chr2:73,573,042, G>A. VCF-style: chr2-73573042-G-A. GRCh37 (hg19) VCF-style: chr2-73800169-G-A.
Other names: c.11168G>A, p.Ser3723Asn (NM_015120.4); short protein forms S3722N, S3723N.
Identifiers: ClinVar variation 3704109 (VCV003704109.2).